The following is an entry in ClinVar:

NM_006662.3(SRCAP):c.3658G>T (p.Gly1220Cys)

Gene: SRCAP (Snf2 related CREBBP activator protein; plus strand). Cytogenetic location: 16p11.2.
Variant type: single nucleotide variant.
Coding change: c.3658G>T on transcript NM_006662.3 (MANE Select); coding-DNA position 3658, G replaced by T.
Protein change: p.Gly1220Cys; replaces glycine 1220 with cysteine.
Molecular consequence: missense variant.
Genome position (GRCh38, 1-based): chr16:30,722,238, G>T. VCF-style: chr16-30722238-G-T. GRCh37 (hg19) VCF-style: chr16-30733559-G-T.
Other names: short protein forms G1220C.
Identifiers: ClinVar variation 4996689 (VCV004996689.1).

ClinVar aggregate classification (germline): Uncertain significance (1 of 4 stars; one submission).

Conditions:
SRCAP-related disorder. Also called: SRCAP-related condition.

Submission:

PreventionGenetics, part of Exact Sciences
Classification: Uncertain significance for SRCAP-related condition. Last evaluated: 2026-01-02. Review status: criteria provided, single submitter. Criteria: ACMG Guidelines, 2015. Collection method: clinical testing. Allele origin: germline.
Comment: The SRCAP c.3658G>T variant is predicted to result in the amino acid substitution p.Gly1220Cys. To our knowledge, this variant has not been reported in the literature or in a large population database (gnomAD), indicating this variant is rare. At this time, the clinical significance of this variant is uncertain due to the absence of conclusive functional and genetic evidence.